The following is an entry in ClinVar:

ClinVar aggregate classification (germline): Benign (1 of 4 stars; one submission).

Allele frequency attached by ClinVar (database versions not stated): 1000 Genomes Project 0.05891; 1000 Genomes Project 30x 0.06059; TOPMed 0.08077; gnomAD 0.08668 and 0.08901.
gnomAD v4.1: 11,357 of 131,564 alleles (8.6%); highest among the groups gnomAD compares: African/African-American, 15%; 611 homozygotes.

Submission:

GeneDx
Classification: Benign. Last evaluated: 2018-06-19. Review status: criteria provided, single submitter. Criteria: GeneDx Variant Classification (06012015). Collection method: clinical testing. Allele origin: germline. Affected: yes.
Comment: This variant is considered likely benign or benign based on one or more of the following criteria: it is a conservative change, it occurs at a poorly conserved position in the protein, it is predicted to be benign by multiple in silico algorithms, and/or has population frequency not consistent with disease.

NM_006859.4(LIAS):c.954+254T>C

Gene: LIAS (lipoic acid synthetase; plus strand). Cytogenetic location: 4p14.
Variant type: single nucleotide variant.
Coding change: c.954+254T>C on transcript NM_006859.4 (MANE Select); 254 bases into the intron after coding-DNA position 954, T replaced by C.
Molecular consequence: intron variant.
Genome position (GRCh38, 1-based): chr4:39,471,560, T>C. VCF-style: chr4-39471560-T-C. GRCh37 (hg19) VCF-style: chr4-39473180-T-C.
Other names: c.954+254T>C (NM_194451.3); c.825+254T>C (NM_001278590.2); c.645+254T>C (NM_001363700.2).
Identifiers: ClinVar variation 674123 (VCV000674123.1), dbSNP rs113901480, ClinGen allele CA95732254.